The following is an entry in ClinVar:

NM_004994.3(MMP9):c.578C>T (p.Pro193Leu)

Gene: MMP9 (matrix metallopeptidase 9; plus strand). Cytogenetic location: 20q13.12.
Variant type: single nucleotide variant.
Coding change: c.578C>T on transcript NM_004994.3 (MANE Select); coding-DNA position 578, C replaced by T.
Protein change: p.Pro193Leu; replaces proline 193 with leucine.
Molecular consequence: missense variant.
Genome position (GRCh38, 1-based): chr20:46,010,979, C>T. VCF-style: chr20-46010979-C-T. GRCh37 (hg19) VCF-style: chr20-44639618-C-T.
Other names: short protein forms P193L.
Identifiers: ClinVar variation 4699848 (VCV004699848.1).
Genomic context (GRCh38, chr20:46,010,979, plus strand): 5'-CAGAGCACGGAGACGGGTATCCCTTCGACGGGAAGGACGGGCTCCTGGCACACGCCTTTC[C>T]TCCTGGCCCCGGCATTCAGGGAGACGCCCATTTCGACGATGACGAGTTGTGGTCCCTGGG-3'
Protein context (NP_004985.2, residues 183-203): GKDGLLAHAF[Pro193Leu]PGPGIQGDAH

ClinVar aggregate classification (germline): Uncertain significance (1 of 4 stars; one submission).

Submission:

Labcorp Genetics (formerly Invitae), Labcorp
Classification: Uncertain significance. Last evaluated: 2025-10-09. Review status: criteria provided, single submitter. Criteria: Invitae Variant Classification Sherloc (09022015). Collection method: clinical testing. Allele origin: germline.
Comment: This sequence change replaces proline, which is neutral and non-polar, with leucine, which is neutral and non-polar, at codon 193 of the MMP9 protein (p.Pro193Leu). This variant is present in population databases (rs745316667, gnomAD 0.003%). This variant has not been reported in the literature in individuals affected with MMP9-related conditions. Invitae Evidence Modeling of protein sequence and biophysical properties (such as structural, functional, and spatial information, amino acid conservation, physicochemical variation, residue mobility, and thermodynamic stability) indicates that this missense variant is not expected to disrupt MMP9 protein function with a negative predictive value of 80%. In summary, the available evidence is currently insufficient to determine the role of this variant in disease. Therefore, it has been classified as a Variant of Uncertain Significance.